The following is an entry in ClinVar:

ClinVar aggregate classification (germline): Uncertain significance (1 of 4 stars; one submission).

Conditions:
Dystonic disorder. Also called: Dystonia. Identifiers: MedGen C0013421, MONDO:0003441, HP:0001332.

Allele frequency attached by ClinVar (database versions not stated): gnomAD 0.00001; TOPMed 0.00001.
gnomAD v4.1: 6 of 1,597,014 alleles (0.00038%); highest among the groups gnomAD compares: East Asian, 0.0023%; no homozygotes.

Submission:

Labcorp Genetics (formerly Invitae), Labcorp
Classification: Uncertain significance for Dystonic disorder. Last evaluated: 2022-09-30. Review status: criteria provided, single submitter. Criteria: Invitae Variant Classification Sherloc (09022015). Collection method: clinical testing. Allele origin: germline.
Comment: This sequence change replaces glycine, which is neutral and non-polar, with arginine, which is basic and polar, at codon 545 of the CIZ1 protein (p.Gly545Arg). The frequency data for this variant in the population databases is considered unreliable, as metrics indicate poor data quality at this position in the gnomAD database. This variant has not been reported in the literature in individuals affected with CIZ1-related conditions. In summary, the available evidence is currently insufficient to determine the role of this variant in disease. Therefore, it has been classified as a Variant of Uncertain Significance. Algorithms developed to predict the effect of missense changes on protein structure and function (SIFT, PolyPhen-2, Align-GVGD) all suggest that this variant is likely to be disruptive.

NM_001131016.2(CIZ1):c.1633G>A (p.Gly545Arg)

Gene: CIZ1 (CDKN1A interacting zinc finger protein 1; minus strand). Cytogenetic location: 9q34.11.
Variant type: single nucleotide variant.
Coding change: c.1633G>A on transcript NM_001131016.2 (MANE Select); coding-DNA position 1633, G replaced by A.
Protein change: p.Gly545Arg; replaces glycine 545 with arginine.
Molecular consequence: missense variant.
Genome position (GRCh38, 1-based): chr9:128,177,751, C>T on the plus strand (G>A on the coding strand, the complement: CIZ1 is on the minus strand). VCF-style: chr9-128177751-C-T. GRCh37 (hg19) VCF-style: chr9-130940030-C-T.
Other names: c.1465G>A, p.Gly489Arg (NM_001131015.2); c.1450G>A, p.Gly484Arg (NM_001131017.2); c.1393G>A, p.Gly465Arg (NM_001131018.2); c.1723G>A, p.Gly575Arg (NM_001257975.2); c.1330G>A, p.Gly444Arg (NM_001257976.2); c.1633G>A, p.Gly545Arg (NM_012127.3); short protein forms G484R, G545R, G575R, G489R, G444R, G465R.
Identifiers: ClinVar variation 2066909 (VCV002066909.4), dbSNP rs751261139, ClinGen allele CA5257256.